The following is an entry in ClinVar:

ClinVar aggregate classification (germline): Uncertain significance (1 of 4 stars; one submission).

Allele frequency attached by ClinVar (database versions not stated): gnomAD 0.00002; gnomAD exomes 0.00003 and 0.00005; TOPMed 0.00003; ExAC 0.00005.
gnomAD v4.1: 42 of 1,613,784 alleles (0.0026%); highest among the groups gnomAD compares: African/African-American, 0.0053%; no homozygotes.

Submission:

Labcorp Genetics (formerly Invitae), Labcorp
Classification: Uncertain significance. Last evaluated: 2025-04-28. Review status: criteria provided, single submitter. Criteria: Invitae Variant Classification Sherloc (09022015). Collection method: clinical testing. Allele origin: germline.
Comment: This sequence change replaces asparagine, which is neutral and polar, with serine, which is neutral and polar, at codon 265 of the VAV1 protein (p.Asn265Ser). This variant is present in population databases (rs757852816, gnomAD 0.007%). This variant has not been reported in the literature in individuals affected with VAV1-related conditions. ClinVar contains an entry for this variant (Variation ID: 1397797). An algorithm developed to predict the effect of missense changes on protein structure and function (PolyPhen-2) suggests that this variant is likely to be tolerated. In summary, the available evidence is currently insufficient to determine the role of this variant in disease. Therefore, it has been classified as a Variant of Uncertain Significance.

NM_005428.4(VAV1):c.794A>G (p.Asn265Ser)

Gene: VAV1 (vav guanine nucleotide exchange factor 1; plus strand). Cytogenetic location: 19p13.3.
Variant type: single nucleotide variant.
Coding change: c.794A>G on transcript NM_005428.4 (MANE Select); coding-DNA position 794, A replaced by G.
Protein change: p.Asn265Ser; replaces asparagine 265 with serine.
Molecular consequence: missense variant.
Genome position (GRCh38, 1-based): chr19:6,825,373, A>G. VCF-style: chr19-6825373-A-G. GRCh37 (hg19) VCF-style: chr19-6825384-A-G.
Other names: c.794A>G, p.Asn265Ser (NM_001258206.2); c.698A>G, p.Asn233Ser (NM_001258207.2); short protein forms N233S, N265S.
Identifiers: ClinVar variation 1397797 (VCV001397797.8), dbSNP rs757852816, ClinGen allele CA9132351.